The following is an entry in ClinVar:

NM_003803.4(MYOM1):c.1304A>G (p.Lys435Arg)

Gene: MYOM1 (myomesin 1; minus strand). Cytogenetic location: 18p11.31.
Variant type: single nucleotide variant.
Coding change: c.1304A>G on transcript NM_003803.4 (MANE Select); coding-DNA position 1304, A replaced by G.
Protein change: p.Lys435Arg; replaces lysine 435 with arginine.
Molecular consequence: missense variant.
Genome position (GRCh38, 1-based): chr18:3,168,852, T>C on the plus strand (A>G on the coding strand, the complement: MYOM1 is on the minus strand). VCF-style: chr18-3168852-T-C. GRCh37 (hg19) VCF-style: chr18-3168850-T-C.
Other names: c.1304A>G, p.Lys435Arg (NM_019856.2); c.1304A>G (NM_003803.3); short protein forms K435R.
Identifiers: ClinVar variation 1375160 (VCV001375160.7), dbSNP rs978595865, ClinGen allele CA295506461.

ClinVar aggregate classification (germline): Uncertain significance. Review status: criteria provided, multiple submitters, no conflicts (2 of 4 stars). 2 submissions from 2 submitters: Uncertain significance (2). Last evaluated 2025-07-30.

Conditions:
Hypertrophic cardiomyopathy. Also called: HYPERTROPHIC MYOCARDIOPATHY. Identifiers: Orphanet 217569, MedGen C0007194, MeSH D002312, MONDO:0005045, HP:0001639.

Allele frequency attached by ClinVar (database versions not stated): gnomAD exomes 0.00001 and 0.00006; TOPMed 0.00002; gnomAD 0.00003 and 0.00004.
gnomAD v4.1: 88 of 1,613,794 alleles (0.0055%); highest among the groups gnomAD compares: Non-Finnish European, 0.0069%; no homozygotes.

Submissions (2):

Labcorp Genetics (formerly Invitae), Labcorp
Classification: Uncertain significance for Hypertrophic cardiomyopathy. Last evaluated: 2025-07-30. Review status: criteria provided, single submitter. Criteria: Invitae Variant Classification Sherloc (09022015). Collection method: clinical testing. Allele origin: germline.
Comment: This sequence change replaces lysine, which is basic and polar, with arginine, which is basic and polar, at codon 435 of the MYOM1 protein (p.Lys435Arg). This variant is present in population databases (no rsID available, gnomAD 0.003%). This variant has not been reported in the literature in individuals affected with MYOM1-related conditions. ClinVar contains an entry for this variant (Variation ID: 1375160). Invitae Evidence Modeling of protein sequence and biophysical properties (such as structural, functional, and spatial information, amino acid conservation, physicochemical variation, residue mobility, and thermodynamic stability) indicates that this missense variant is not expected to disrupt MYOM1 protein function with a negative predictive value of 80%. In summary, the available evidence is currently insufficient to determine the role of this variant in disease. Therefore, it has been classified as a Variant of Uncertain Significance.

Ambry Genetics
Classification: Uncertain significance. Last evaluated: 2024-04-04. Review status: criteria provided, single submitter. Criteria: Ambry Variant Classification Scheme 2023. Collection method: clinical testing. Allele origin: germline.